The following is an entry in ClinVar:

ClinVar aggregate classification (germline): Uncertain significance (1 of 4 stars; one submission).

gnomAD v4.1: 1 of 1,614,064 alleles (0.000062%); no homozygotes.

Submission:

GeneDx
Classification: Uncertain significance. Last evaluated: 2023-12-23. Review status: criteria provided, single submitter. Criteria: GeneDx Variant Classification Process June 2021. Collection method: clinical testing. Allele origin: germline.
Comment: Has not been previously published as pathogenic or benign to our knowledge; Not observed at significant frequency in large population cohorts (gnomAD); In silico analysis supports that this missense variant does not alter protein structure/function

NM_003238.6(TGFB2):c.688A>G (p.Thr230Ala)

Gene: TGFB2 (transforming growth factor beta 2; plus strand). Cytogenetic location: 1q41.
Variant type: single nucleotide variant.
Coding change: c.688A>G on transcript NM_003238.6 (MANE Select); coding-DNA position 688, A replaced by G.
Protein change: p.Thr230Ala; replaces threonine 230 with alanine.
Molecular consequence: missense variant. On other transcripts: non-coding transcript variant (2).
Genome position (GRCh38, 1-based): chr1:218,434,382, A>G. VCF-style: chr1-218434382-A-G. GRCh37 (hg19) VCF-style: chr1-218607724-A-G.
Other names: c.772A>G, p.Thr258Ala (NM_001135599.4); short protein forms T230A, T258A.
Identifiers: ClinVar variation 1810728 (VCV001810728.2), dbSNP rs1197477871, ClinGen allele CA344726823.